The following is an entry in ClinVar:

ClinVar aggregate classification (germline): Likely pathogenic (1 of 4 stars; one submission).

Conditions:
Autosomal recessive spastic paraplegia type 78. Identifiers: Orphanet 513436, MedGen C5567893, MONDO:0014975, OMIM 617225.
Kufor-Rakeb syndrome (KRS). Also called: PARKINSON DISEASE 9, AUTOSOMAL RECESSIVE, JUVENILE-ONSET. Identifiers: Orphanet 306674, Orphanet 314632, MedGen C1847640, MONDO:0011706, OMIM 606693.

Allele frequency attached by ClinVar (database versions not stated): ExAC 0.00001; gnomAD 0.00001.
gnomAD v4.1: 5 of 1,612,286 alleles (0.00031%); highest among the groups gnomAD compares: Admixed American, 0.0017%; no homozygotes.

Submission:

Labcorp Genetics (formerly Invitae), Labcorp
Classification: Likely pathogenic for Kufor-Rakeb syndrome; Autosomal recessive spastic paraplegia type 78. Last evaluated: 2026-01-17. Review status: criteria provided, single submitter. Criteria: Invitae Variant Classification Sherloc (09022015). Collection method: clinical testing. Allele origin: germline.
Comment: This sequence change affects an acceptor splice site in intron 21 of the ATP13A2 gene. It is expected to disrupt RNA splicing. Variants that disrupt the donor or acceptor splice site typically lead to a loss of protein function (PMID: 16199547), and loss-of-function variants in ATP13A2 are known to be pathogenic (PMID: 16964263, 21696388). This variant is present in population databases (rs768307347, gnomAD 0.0009%). This variant has not been reported in the literature in individuals affected with ATP13A2-related conditions. ClinVar contains an entry for this variant (Variation ID: 2924717). Algorithms developed to predict the effect of sequence changes on RNA splicing suggest that this variant may disrupt the consensus splice site. In summary, the currently available evidence indicates that the variant is pathogenic, but additional data are needed to prove that conclusively. Therefore, this variant has been classified as Likely Pathogenic.

Literature cited by the submitters: PubMed 16199547; PubMed 16964263; PubMed 21696388.

NM_022089.4(ATP13A2):c.2413-1G>C

Gene: ATP13A2 (ATPase cation transporting 13A2; minus strand). Cytogenetic location: 1p36.13.
Variant type: single nucleotide variant.
Coding change: c.2413-1G>C on transcript NM_022089.4 (MANE Select); the canonical splice acceptor site of the intron before coding-DNA position 2413, G replaced by C.
Molecular consequence: splice acceptor variant. On other transcripts: intron variant (1).
Genome position (GRCh38, 1-based): chr1:16,990,004, C>G on the plus strand (G>C on the coding strand, the complement: ATP13A2 is on the minus strand). VCF-style: chr1-16990004-C-G. GRCh37 (hg19) VCF-style: chr1-17316499-C-G.
Other names: c.2397+123G>C (NM_001141974.3); c.2398-1G>C (NM_001141973.3).
Identifiers: ClinVar variation 2924717 (VCV002924717.3), dbSNP rs768307347, ClinGen allele CA636831.